The following is an entry in ClinVar:

ClinVar aggregate classification (germline): Uncertain significance (1 of 4 stars; one submission).

Submission:

Labcorp Genetics (formerly Invitae), Labcorp
Classification: Uncertain significance. Last evaluated: 2021-01-27. Review status: criteria provided, single submitter. Criteria: Invitae Variant Classification Sherloc (09022015). Collection method: clinical testing. Allele origin: germline.
Comment: In summary, the available evidence is currently insufficient to determine the role of this variant in disease. Therefore, it has been classified as a Variant of Uncertain Significance. Algorithms developed to predict the effect of missense changes on protein structure and function (SIFT, PolyPhen-2, Align-GVGD) all suggest that this variant is likely to be tolerated, but these predictions have not been confirmed by published functional studies and their clinical significance is uncertain. This variant has not been reported in the literature in individuals with KIF2A-related conditions. This variant is not present in population databases (ExAC no frequency). This sequence change replaces glycine with aspartic acid at codon 114 of the KIF2A protein (p.Gly114Asp). The glycine residue is weakly conserved and there is a moderate physicochemical difference between glycine and aspartic acid.

NM_001098511.3(KIF2A):c.341G>A (p.Gly114Asp)

Gene: KIF2A (kinesin family member 2A; plus strand). Cytogenetic location: 5q12.1.
Variant type: single nucleotide variant.
Coding change: c.341G>A on transcript NM_001098511.3 (MANE Select); coding-DNA position 341, G replaced by A.
Protein change: p.Gly114Asp; replaces glycine 114 with aspartic acid.
Molecular consequence: missense variant.
Genome position (GRCh38, 1-based): chr5:62,352,594, G>A. VCF-style: chr5-62352594-G-A. GRCh37 (hg19) VCF-style: chr5-61648421-G-A.
Other names: c.341G>A, p.Gly114Asp (NM_001243953.2, NM_004520.5); c.260G>A, p.Gly87Asp (NM_001243952.2); short protein forms G114D, G87D.
Identifiers: ClinVar variation 1490077 (VCV001490077.8), dbSNP rs1229237874, ClinGen allele CA359948805.